The following is an entry in ClinVar:

NM_001363541.2(DBN1):c.687G>A (p.Glu229=)

Gene: DBN1 (drebrin 1; minus strand). Cytogenetic location: 5q35.3.
Variant type: single nucleotide variant.
Coding change: c.687G>A on transcript NM_001363541.2 (MANE Select); coding-DNA position 687, G replaced by A.
Protein change: p.Glu229=; no amino-acid change (glutamic acid 229 retained).
Molecular consequence: synonymous variant.
Genome position (GRCh38, 1-based): chr5:177,466,931, C>T on the plus strand (G>A on the coding strand, the complement: DBN1 is on the minus strand). VCF-style: chr5-177466931-C-T. GRCh37 (hg19) VCF-style: chr5-176893932-C-T.
Other names: c.684G>A, p.Glu228= (NM_001364151.2); c.693G>A, p.Glu231= (NM_001393630.1, NM_080881.3); c.498G>A, p.Glu166= (NM_001393631.1); c.687G>A, p.Glu229= (NM_004395.4).
Identifiers: ClinVar variation 2656122 (VCV002656122.24), dbSNP rs76383896, ClinGen allele CA3583061.

ClinVar aggregate classification (germline): Likely benign (1 of 4 stars; one submission).

Allele frequency attached by ClinVar (database versions not stated): 1000 Genomes Project 0.00060; 1000 Genomes Project 30x 0.00062; TOPMed 0.00169; gnomAD 0.00181; ESP Exome Variant Server 0.00185; ExAC 0.00230; gnomAD exomes 0.00262.

Submission:

CeGaT Center for Human Genetics Tuebingen
Classification: Likely benign. Last evaluated: 2022-04-01. Review status: criteria provided, single submitter. Criteria: CeGaT Center For Human Genetics Tuebingen Variant Classification Criteria Version 2. Collection method: clinical testing. Allele origin: germline. Affected: yes. Observed: 1 variant allele.
Comment: DBN1: BP4, BP7